The following is an entry in ClinVar:

NM_194248.3(OTOF):c.4878C>T (p.Asp1626=)

Gene: OTOF (otoferlin; minus strand). Cytogenetic location: 2p23.3.
Variant type: single nucleotide variant.
Coding change: c.4878C>T on transcript NM_194248.3 (MANE Select); coding-DNA position 4878, C replaced by T.
Protein change: p.Asp1626=; no amino-acid change (aspartic acid 1626 retained).
Molecular consequence: synonymous variant.
Genome position (GRCh38, 1-based): chr2:26,464,951, G>A on the plus strand (C>T on the coding strand, the complement: OTOF is on the minus strand). VCF-style: chr2-26464951-G-A. GRCh37 (hg19) VCF-style: chr2-26687819-G-A.
Other names: c.4878C>T, p.Asp1626= (NM_001287489.2); c.2577C>T, p.Asp859= (NM_004802.4, NM_194323.3); c.2808C>T, p.Asp936= (NM_194322.3).
Identifiers: ClinVar variation 48243 (VCV000048243.8), dbSNP rs397517947, ClinGen allele CA142905.

ClinVar aggregate classification (germline): Likely benign. Review status: criteria provided, multiple submitters, no conflicts (2 of 4 stars). 2 submissions from 2 submitters: Likely benign (2). Last evaluated 2023-11-29.

Allele frequency attached by ClinVar (database versions not stated): gnomAD exomes 0.00001; TOPMed 0.00001.
gnomAD v4.1: 8 of 1,569,288 alleles (0.00051%); highest among the groups gnomAD compares: African/African-American, 0.0028%; no homozygotes.

Submissions (2):

Labcorp Genetics (formerly Invitae), Labcorp
Classification: Likely benign. Last evaluated: 2023-11-29. Review status: criteria provided, single submitter. Criteria: Invitae Variant Classification Sherloc (09022015). Collection method: clinical testing. Allele origin: germline.

Laboratory for Molecular Medicine, Mass General Brigham Personalized Medicine
Classification: Likely benign. Last evaluated: 2010-07-26. Review status: criteria provided, single submitter. Criteria: LMM Criteria. Collection method: clinical testing. Allele origin: germline. Observed: 1 variant allele.
Comment: Asp1626Asp in exon 39 of OTOF: This variant is not expected to have clinical sig nificance because it does not alter an amino acid residue and is not located nea r a splice junction.